The following is an entry in ClinVar:

ClinVar aggregate classification (germline): Uncertain significance (1 of 4 stars; one submission).

Submission:

Labcorp Genetics (formerly Invitae), Labcorp
Classification: Uncertain significance. Last evaluated: 2024-02-05. Review status: criteria provided, single submitter. Criteria: Invitae Variant Classification Sherloc (09022015). Collection method: clinical testing. Allele origin: germline.
Comment: This sequence change replaces glutamic acid, which is acidic and polar, with valine, which is neutral and non-polar, at codon 3390 of the LRP2 protein (p.Glu3390Val). This variant is not present in population databases (gnomAD no frequency). This variant has not been reported in the literature in individuals affected with LRP2-related conditions. ClinVar contains an entry for this variant (Variation ID: 2098877). An algorithm developed to predict the effect of missense changes on protein structure and function (PolyPhen-2) suggests that this variant is likely to be disruptive. In summary, the available evidence is currently insufficient to determine the role of this variant in disease. Therefore, it has been classified as a Variant of Uncertain Significance.

NM_004525.3(LRP2):c.10169A>T (p.Glu3390Val)

Gene: LRP2 (LDL receptor related protein 2; minus strand). Cytogenetic location: 2q31.1.
Variant type: single nucleotide variant.
Coding change: c.10169A>T on transcript NM_004525.3 (MANE Select); coding-DNA position 10169, A replaced by T.
Protein change: p.Glu3390Val; replaces glutamic acid 3390 with valine.
Molecular consequence: missense variant.
Genome position (GRCh38, 1-based): chr2:169,181,448, T>A on the plus strand (A>T on the coding strand, the complement: LRP2 is on the minus strand). VCF-style: chr2-169181448-T-A. GRCh37 (hg19) VCF-style: chr2-170037958-T-A.
Other names: short protein forms E3390V.
Identifiers: ClinVar variation 2098877 (VCV002098877.3), dbSNP rs2545745518, ClinGen allele CA349150710.
Genomic context (GRCh38, chr2:169,181,448, plus strand): 5'-AAGCTCTGATGTTTGAAATAAACAGTTACACAATTGTTTTATGCTTTTCTATGTACGTAC[T>A]CTATGTAACCCAGGTGGGCATCTGCCCAGTAGAGTAGATCATTGGTGTAATCAATGGTGA-3'
Protein context (NP_004516.2, residues 3380-3400): YWADAHLGYI[Glu3390Val]YSDLEGHHRH